The following is an entry in ClinVar:

NM_001171613.2(PREPL):c.1542A>C (p.Glu514Asp)

Gene: PREPL (prolyl endopeptidase like; minus strand). Cytogenetic location: 2p21.
Variant type: single nucleotide variant.
Coding change: c.1542A>C on transcript NM_001171613.2 (MANE Select); coding-DNA position 1542, A replaced by C.
Protein change: p.Glu514Asp; replaces glutamic acid 514 with aspartic acid.
Molecular consequence: missense variant.
Genome position (GRCh38, 1-based): chr2:44,323,349, T>G on the plus strand (A>C on the coding strand, the complement: PREPL is on the minus strand). VCF-style: chr2-44323349-T-G. GRCh37 (hg19) VCF-style: chr2-44550488-T-G.
Other names: c.1809A>C, p.Glu603Asp (NM_006036.4, NM_001171603.1, NM_001171606.2 and 2 more transcripts); c.1623A>C, p.Glu541Asp (NM_001042385.2); c.1611A>C, p.Glu537Asp (NM_001042386.2); c.1542A>C, p.Glu514Asp (NM_001171617.1, NM_001374277.1); short protein forms E537D, E541D, E603D, E514D.
Identifiers: ClinVar variation 657150 (VCV000657150.9), dbSNP rs138237715, ClinGen allele CA1641054.

ClinVar aggregate classification (germline): Uncertain significance. Review status: criteria provided, multiple submitters, no conflicts (2 of 4 stars). 3 submissions from 3 submitters: Uncertain significance (3). Last evaluated 2025-03-03.

Conditions:
Inborn genetic diseases. Identifiers: MedGen C0950123, MeSH D030342.
Myasthenic syndrome, congenital, 22 (CMS22). Also called: PREPL DEFICIENCY. Identifiers: MedGen C4479088, MONDO:0044299, OMIM 616224.

Allele frequency attached by ClinVar (database versions not stated): gnomAD 0.00034 and 0.00039; gnomAD exomes 0.00010 and 0.00001; ExAC 0.00015; TOPMed 0.00031; 1000 Genomes Project 0.00060; ESP Exome Variant Server 0.00046; 1000 Genomes Project 30x 0.00078.

Submissions (3):

Ambry Genetics
Classification: Uncertain significance for Inborn genetic diseases. Last evaluated: 2025-03-03. Review status: criteria provided, single submitter. Criteria: Ambry Variant Classification Scheme 2023. Collection method: clinical testing. Allele origin: germline.

Genetic Services Laboratory, University of Chicago
Classification: Uncertain significance. Last evaluated: 2024-03-18. Review status: criteria provided, single submitter. Criteria: ACMG Guidelines, 2015. Collection method: clinical testing. Allele origin: germline. Affected: no.
Comment: DNA sequence analysis of the PREPL gene demonstrated a sequence change, c.1809A>C, in exon 11 that results in an amino acid change, p.Glu603Asp. This sequence change does not appear to have been previously described in individuals with PREPL-related disorders. This sequence change has been described in the gnomAD database with a frequency of 0.01% in the overall population (dbSNP rs138237715). The p.Glu603Asp change affects a highly conserved amino acid residue located in a domain of the PREPL protein that is known to be functional. In-silico pathogenicity prediction tools (SIFT, PolyPhen2, Align GVGD, REVEL) provide contradictory results for the p.Glu603Asp substitution. Due to insufficient evidences and the lack of functional studies, the clinical significance of the p.Glu603Asp change remains unknown at this time.

Labcorp Genetics (formerly Invitae), Labcorp
Classification: Uncertain significance for Myasthenic syndrome, congenital, 22. Last evaluated: 2022-08-23. Review status: criteria provided, single submitter. Criteria: Invitae Variant Classification Sherloc (09022015). Collection method: clinical testing. Allele origin: germline.
Comment: This sequence change replaces glutamic acid, which is acidic and polar, with aspartic acid, which is acidic and polar, at codon 603 of the PREPL protein (p.Glu603Asp). This variant is present in population databases (rs138237715, gnomAD 0.1%). This variant has not been reported in the literature in individuals affected with PREPL-related conditions. ClinVar contains an entry for this variant (Variation ID: 657150). Algorithms developed to predict the effect of missense changes on protein structure and function are either unavailable or do not agree on the potential impact of this missense change (SIFT: "Deleterious"; PolyPhen-2: "Possibly Damaging"; Align-GVGD: "Class C0"). In summary, the available evidence is currently insufficient to determine the role of this variant in disease. Therefore, it has been classified as a Variant of Uncertain Significance.